The following is an entry in ClinVar:

NM_001355469.2(GOLGA8T):c.1515G>A (p.Ala505=)

Gene: GOLGA8T (golgin A8 family member T; plus strand). Cytogenetic location: 15q13.2.
Variant type: single nucleotide variant.
Coding change: c.1515G>A on transcript NM_001355469.2 (MANE Select); coding-DNA position 1515, G replaced by A.
Protein change: p.Ala505=; no amino-acid change (alanine 505 retained).
Molecular consequence: synonymous variant.
Genome position (GRCh38, 1-based): chr15:30,145,007, G>A. VCF-style: chr15-30145007-G-A. GRCh37 (hg19) VCF-style: chr15-30437210-G-A.
Identifiers: ClinVar variation 2645103 (VCV002645103.24), dbSNP rs199893302, ClinGen allele CA7448284.

ClinVar aggregate classification (germline): Likely benign (1 of 4 stars; one submission).

Allele frequency attached by ClinVar (database versions not stated): 1000 Genomes Project 30x 0.00547; gnomAD 0.00568; ExAC 0.01316.

Submission:

CeGaT Center for Human Genetics Tuebingen
Classification: Likely benign. Last evaluated: 2023-01-01. Review status: criteria provided, single submitter. Criteria: CeGaT Center For Human Genetics Tuebingen Variant Classification Criteria Version 2. Collection method: clinical testing. Allele origin: germline. Affected: yes. Observed: 1 variant allele.
Comment: GOLGA8T: BP4, BP7, BS2